The following is an entry in ClinVar:

NM_001384474.1(LOXHD1):c.4721del (p.Glu1574fs)

Gene: LOXHD1 (lipoxygenase homology PLAT domains 1; minus strand). Cytogenetic location: 18q21.1.
Variant type: Deletion.
Coding change: c.4721del on transcript NM_001384474.1 (MANE Select); coding-DNA position 4721, one base deleted (A; older notation c.4721delA).
Protein change: p.Glu1574fs; shifts the reading frame from glutamic acid 1574.
Molecular consequence: frameshift variant.
Genome position (GRCh38, 1-based): chr18:46,524,727, T deleted on the plus strand (A on the coding strand, the reverse complement: LOXHD1 is on the minus strand). VCF-style (leftmost placement, unchanged base first): chr18-46524726-CT-C. GRCh37 (hg19) VCF-style: chr18-44104689-CT-C.
Other names: c.1388del, p.Glu463fs (NM_001145472.3); c.1100del, p.Glu367fs (NM_001308013.2); c.4721del, p.Glu1574fs (NM_144612.7); short protein forms E367fs, E463fs, E1574fs.
Identifiers: ClinVar variation 2836148 (VCV002836148.3), dbSNP rs2511613077, ClinGen allele CA2739268713.

ClinVar aggregate classification (germline): Pathogenic (1 of 4 stars; one submission).

Submission:

Labcorp Genetics (formerly Invitae), Labcorp
Classification: Pathogenic. Last evaluated: 2023-02-10. Review status: criteria provided, single submitter. Criteria: Invitae Variant Classification Sherloc (09022015). Collection method: clinical testing. Allele origin: germline.
Comment: This sequence change creates a premature translational stop signal (p.Glu1574Glyfs*28) in the LOXHD1 gene. It is expected to result in an absent or disrupted protein product. Loss-of-function variants in LOXHD1 are known to be pathogenic (PMID: 19732867, 21465660, 25792669). This variant is not present in population databases (gnomAD no frequency). This variant has not been reported in the literature in individuals affected with LOXHD1-related conditions. For these reasons, this variant has been classified as Pathogenic.

Literature cited by the submitters: PubMed 19732867; PubMed 21465660; PubMed 25792669.